The following is an entry in ClinVar:

NM_001368882.1(COL13A1):c.221G>T (p.Arg74Leu)

Gene: COL13A1 (collagen type XIII alpha 1 chain; plus strand). Cytogenetic location: 10q22.1.
Variant type: single nucleotide variant.
Coding change: c.221G>T on transcript NM_001368882.1 (MANE Select); coding-DNA position 221, G replaced by T.
Protein change: p.Arg74Leu; replaces arginine 74 with leucine.
Molecular consequence: missense variant. On other transcripts: 5 prime UTR variant (1).
Genome position (GRCh38, 1-based): chr10:69,802,644, G>T. VCF-style: chr10-69802644-G-T. GRCh37 (hg19) VCF-style: chr10-71562400-G-T.
Other names: c.221G>T, p.Arg74Leu (NM_001130103.2, NM_001320951.2, NM_001368883.1 and 11 more transcripts); c.-433G>T (NM_001368886.1); c.221G>T (NM_001130103.1); short protein forms R74L.
Identifiers: ClinVar variation 1396387 (VCV001396387.6), dbSNP rs375168437, ClinGen allele CA5534001.

ClinVar aggregate classification (germline): Uncertain significance. Review status: criteria provided, multiple submitters, no conflicts (2 of 4 stars). 3 submissions from 3 submitters: Uncertain significance (3). Last evaluated 2025-01-23.

Conditions:
COL13A1-related disorder. Also called: COL13A1-related condition.
Inborn genetic diseases. Identifiers: MedGen C0950123, MeSH D030342.

Allele frequency attached by ClinVar (database versions not stated): ESP Exome Variant Server 0.00033.
gnomAD v4.1: 534 of 1,613,372 alleles (0.033%); highest among the groups gnomAD compares: Non-Finnish European, 0.043%; 1 homozygote.

Submissions (3):

PreventionGenetics, part of Exact Sciences
Classification: Uncertain significance for COL13A1-related condition. Last evaluated: 2025-01-23. Review status: criteria provided, single submitter. Criteria: ACMG Guidelines, 2015. Collection method: clinical testing. Allele origin: germline.
Comment: The COL13A1 c.221G>T variant is predicted to result in the amino acid substitution p.Arg74Leu. To our knowledge, this variant has not been reported in the literature. This variant is reported in 0.037% of alleles in individuals of European (Non-Finnish) descent in gnomAD. At this time, the clinical significance of this variant is uncertain due to the absence of conclusive functional and genetic evidence.

Ambry Genetics
Classification: Uncertain significance for Inborn genetic diseases. Last evaluated: 2024-11-25. Review status: criteria provided, single submitter. Criteria: Ambry Variant Classification Scheme 2023. Collection method: clinical testing. Allele origin: germline.

Labcorp Genetics (formerly Invitae), Labcorp
Classification: Uncertain significance. Last evaluated: 2022-08-16. Review status: criteria provided, single submitter. Criteria: Invitae Variant Classification Sherloc (09022015). Collection method: clinical testing. Allele origin: germline.
Comment: This sequence change replaces arginine, which is basic and polar, with leucine, which is neutral and non-polar, at codon 74 of the COL13A1 protein (p.Arg74Leu). This variant is present in population databases (rs375168437, gnomAD 0.04%). This variant has not been reported in the literature in individuals affected with COL13A1-related conditions. ClinVar contains an entry for this variant (Variation ID: 1396387). Algorithms developed to predict the effect of missense changes on protein structure and function are either unavailable or do not agree on the potential impact of this missense change (SIFT: "Deleterious"; PolyPhen-2: "Probably Damaging"; Align-GVGD: "Class C0"). In summary, the available evidence is currently insufficient to determine the role of this variant in disease. Therefore, it has been classified as a Variant of Uncertain Significance.